The following is an entry in ClinVar:

NM_003000.3(SDHB):c.815C>T (p.Thr272Ile)

Gene: SDHB (succinate dehydrogenase complex iron sulfur subunit B; minus strand). Cytogenetic location: 1p36.13.
Variant type: single nucleotide variant.
Coding change: c.815C>T on transcript NM_003000.3 (MANE Select); coding-DNA position 815, C replaced by T.
Protein change: p.Thr272Ile; replaces threonine 272 with isoleucine.
Molecular consequence: missense variant.
Genome position (GRCh38, 1-based): chr1:17,018,909, G>A on the plus strand (C>T on the coding strand, the complement: SDHB is on the minus strand). VCF-style: chr1-17018909-G-A. GRCh37 (hg19) VCF-style: chr1-17345404-G-A.
Other names: short protein forms T272I.
Identifiers: ClinVar variation 1445276 (VCV001445276.12), dbSNP rs1195207024, ClinGen allele CA338268819.
Genomic context (GRCh38, chr1:17,018,909, plus strand): 5'-CTGGTTATAAATCATGTTTAGCATGGAAACAGTTAAACTGAAGCTTTCTTCTCCTTATAG[G>A]TTGCCATCATTTTCTTGATCTCTGCAATAGCTTTCCCTGGATTCAGACCCTTGAAAAAAG-3'
Protein context (NP_002991.2, residues 262-280): AIAEIKKMMA[Thr272Ile]YKEKKASV

ClinVar aggregate classification (germline): Uncertain significance. Review status: criteria provided, multiple submitters, no conflicts (2 of 4 stars). 3 submissions from 3 submitters: Uncertain significance (3). Last evaluated 2025-03-02.

Conditions:
Hereditary cancer-predisposing syndrome. Also called: Hereditary neoplastic syndrome; Tumor predisposition; Hereditary Cancer Syndrome; Neoplastic Syndromes, Hereditary. Identifiers: Orphanet 140162, MedGen C0027672, MeSH D009386, MONDO:0015356.
Gastrointestinal stromal tumor. Also called: Gastrointestinal stroma tumor; Gastrointestinal stromal tumor, somatic. Identifiers: Orphanet 44890, MedGen C0238198, MeSH D046152, MONDO:0011719, OMIM 606764, HP:0100723.
Pheochromocytoma/paraganglioma syndrome 4. Also called: CAROTID BODY TUMORS AND MULTIPLE EXTRAADRENAL PHEOCHROMOCYTOMAS; SDHB-Related Hereditary Paraganglioma-Pheochromocytoma Syndrome; PARAGANGLIOMA, FAMILIAL MALIGNANT; PARAGANGLIOMAS, HEREDITARY EXTRAADRENAL; PHEOCHROMOCYTOMA, FAMILIAL EXTRAADRENAL; Paragangliomas 4. Identifiers: Orphanet 29072, MedGen C1861848, MONDO:0007273, OMIM 115310.
Pheochromocytoma. Also called: MAX-Related Hereditary Paraganglioma-Pheochromocytoma Syndrome. Identifiers: Orphanet 29072, MedGen C0031511, MONDO:0008233, OMIM 171300, HP:0002666.

Allele frequency attached by ClinVar (database versions not stated): gnomAD exomes below 0.00001.
gnomAD v4.1: 4 of 1,612,916 alleles (0.00025%); highest among the groups gnomAD compares: Non-Finnish European, 0.00034%; no homozygotes.

Submissions (3):

Ambry Genetics
Classification: Uncertain significance for Hereditary cancer-predisposing syndrome. Last evaluated: 2025-03-02. Review status: criteria provided, single submitter. Criteria: Ambry Variant Classification Scheme 2023. Collection method: clinical testing. Allele origin: germline.
Comment: The p.T272I variant (also known as c.815C>T), located in coding exon 8 of the SDHB gene, results from a C to T substitution at nucleotide position 815. The threonine at codon 272 is replaced by isoleucine, an amino acid with similar properties. This amino acid position is highly conserved in available vertebrate species. In addition, the in silico prediction for this alteration is inconclusive. Since supporting evidence is limited at this time, the clinical significance of this alteration remains unclear.

GeneDx
Classification: Uncertain significance. Last evaluated: 2024-08-14. Review status: criteria provided, single submitter. Criteria: GeneDx Variant Classification Process June 2021. Collection method: clinical testing. Allele origin: germline. Affected: yes.
Comment: Not observed at significant frequency in large population cohorts (gnomAD); In silico analysis indicates that this missense variant does not alter protein structure/function; Has not been previously published as pathogenic or benign to our knowledge

Labcorp Genetics (formerly Invitae), Labcorp
Classification: Uncertain significance for Gastrointestinal stromal tumor; Pheochromocytoma/paraganglioma syndrome 4; Pheochromocytoma. Last evaluated: 2024-04-10. Review status: criteria provided, single submitter. Criteria: Invitae Variant Classification Sherloc (09022015). Collection method: clinical testing. Allele origin: germline.
Comment: This sequence change replaces threonine, which is neutral and polar, with isoleucine, which is neutral and non-polar, at codon 272 of the SDHB protein (p.Thr272Ile). This variant is present in population databases (no rsID available, gnomAD 0.0009%). This variant has not been reported in the literature in individuals affected with SDHB-related conditions. ClinVar contains an entry for this variant (Variation ID: 1445276). Advanced modeling of protein sequence and biophysical properties (such as structural, functional, and spatial information, amino acid conservation, physicochemical variation, residue mobility, and thermodynamic stability) performed at Invitae indicates that this missense variant is not expected to disrupt SDHB protein function with a negative predictive value of 80%. In summary, the available evidence is currently insufficient to determine the role of this variant in disease. Therefore, it has been classified as a Variant of Uncertain Significance.